The following is an entry in ClinVar:

NM_013266.4(CTNNA3):c.580-59152G>A

Gene: CTNNA3 (catenin alpha 3; minus strand). Cytogenetic location: 10q21.3.
Variant type: single nucleotide variant.
Coding change: c.580-59152G>A on transcript NM_013266.4 (MANE Select); 59152 bases into the intron before coding-DNA position 580, G replaced by A.
Molecular consequence: intron variant.
Genome position (GRCh38, 1-based): chr10:67,279,022, C>T on the plus strand (G>A on the coding strand, the complement: CTNNA3 is on the minus strand). VCF-style: chr10-67279022-C-T. GRCh37 (hg19) VCF-style: chr10-69038780-C-T.
Other names: c.580-59152G>A (NM_001127384.3); c.616-59152G>A (NM_001291133.2).
Identifiers: ClinVar variation 2640517 (VCV002640517.24), dbSNP rs557881631, ClinGen allele CA209106702.

ClinVar aggregate classification (germline): Likely benign (1 of 4 stars; one submission).

Allele frequency attached by ClinVar (database versions not stated): 1000 Genomes Project 30x 0.00125; 1000 Genomes Project 0.00140; gnomAD 0.00158.
gnomAD v4.1: 236 of 152,116 alleles (0.16%); highest among the groups gnomAD compares: South Asian, 1.2%; 2 homozygotes.

Submission:

CeGaT Center for Human Genetics Tuebingen
Classification: Likely benign. Last evaluated: 2023-03-01. Review status: criteria provided, single submitter. Criteria: CeGaT Center For Human Genetics Tuebingen Variant Classification Criteria Version 2. Collection method: clinical testing. Allele origin: germline. Affected: yes. Observed: 2 variant alleles.
Comment: CTNNA3: BS1